The following is an entry in ClinVar:

NM_001352027.3(PHF21A):c.340C>T (p.Pro114Ser)

Gene: PHF21A (PHD finger protein 21A; minus strand). Cytogenetic location: 11p11.2.
Variant type: single nucleotide variant.
Coding change: c.340C>T on transcript NM_001352027.3 (MANE Select); coding-DNA position 340, C replaced by T.
Protein change: p.Pro114Ser; replaces proline 114 with serine.
Molecular consequence: missense variant. On other transcripts: non-coding transcript variant (2).
Genome position (GRCh38, 1-based): chr11:45,979,780, G>A on the plus strand (C>T on the coding strand, the complement: PHF21A is on the minus strand). VCF-style: chr11-45979780-G-A. GRCh37 (hg19) VCF-style: chr11-46001331-G-A.
Other names: c.340C>T, p.Pro114Ser (NM_001101802.3, NM_001352025.3, NM_001352026.3 and 6 more transcripts); short protein forms P114S.
Identifiers: ClinVar variation 1722943 (VCV001722943.3), dbSNP rs2498643807, ClinGen allele CA380214074.

ClinVar aggregate classification (germline): Uncertain significance (1 of 4 stars; one submission).

Submission:

GeneDx
Classification: Uncertain significance. Last evaluated: 2025-03-14. Review status: criteria provided, single submitter. Criteria: GeneDx Variant Classification Process June 2021. Collection method: clinical testing. Allele origin: germline. Affected: yes.
Comment: Not observed at significant frequency in large population cohorts (gnomAD); In silico analysis supports that this missense variant has a deleterious effect on protein structure/function; Has not been previously published as pathogenic or benign to our knowledge